The following is an entry in ClinVar:

NM_001194998.2(CEP152):c.2985G>A (p.Ala995=)

Gene: CEP152 (centrosomal protein 152; minus strand). Cytogenetic location: 15q21.1.
Variant type: single nucleotide variant.
Coding change: c.2985G>A on transcript NM_001194998.2 (MANE Select); coding-DNA position 2985, G replaced by A.
Protein change: p.Ala995=; no amino-acid change (alanine 995 retained).
Molecular consequence: synonymous variant.
Genome position (GRCh38, 1-based): chr15:48,756,263, C>T on the plus strand (G>A on the coding strand, the complement: CEP152 is on the minus strand). VCF-style: chr15-48756263-C-T. GRCh37 (hg19) VCF-style: chr15-49048460-C-T.
Other names: c.2985G>A, p.Ala995= (NM_014985.4).
Identifiers: ClinVar variation 2182061 (VCV002182061.8), dbSNP rs377506426, ClinGen allele CA7548433.

ClinVar aggregate classification (germline): Likely benign. Review status: criteria provided, multiple submitters, no conflicts (2 of 4 stars). 2 submissions from 2 submitters: Likely benign (2). Last evaluated 2026-03-01.

gnomAD v4.1: 12 of 1,590,852 alleles (0.00075%); highest among the groups gnomAD compares: Admixed American, 0.0071%; no homozygotes.

Submissions (2):

CeGaT Center for Human Genetics Tuebingen
Classification: Likely benign. Last evaluated: 2026-03-01. Review status: criteria provided, single submitter. Criteria: CeGaT Center For Human Genetics Tuebingen Variant Classification Criteria Version 2. Collection method: clinical testing. Allele origin: germline. Affected: yes. Observed: 1 variant allele.
Comment: CEP152: BP4, BP7

Labcorp Genetics (formerly Invitae), Labcorp
Classification: Likely benign. Last evaluated: 2024-07-23. Review status: criteria provided, single submitter. Criteria: Invitae Variant Classification Sherloc (09022015). Collection method: clinical testing. Allele origin: germline.